The following is an entry in ClinVar:

ClinVar aggregate classification (germline): Benign/Likely benign. Review status: criteria provided, multiple submitters, no conflicts (2 of 4 stars). 5 submissions from 5 submitters: Benign (1); Likely benign (4). Last evaluated 2026-01-28.

Conditions:
Rhizomelic chondrodysplasia punctata type 2 (RCDP2). Also called: DHAPAT DEFICIENCY; Glyceronephosphate O-acyltransferase deficiency; DIHYDROXYACETONEPHOSPHATE ACYLTRANSFERASE DEFICIENCY; PEROXISOMAL DIHYDROXYACETONEPHOSPHATE ACYLTRANSFERASE DEFICIENCY; glyceronephosphate O-acyltransferase (GNPAT) deficiency; Chondrodysplasia punctata, rhizomelic, due to dihydroxyacetonephosphate acyltransferase deficiency. Identifiers: Orphanet 177, Orphanet 309796, MedGen C1857242, MONDO:0100273, OMIM 222765. Disease mechanism: loss of function.

Allele frequency attached by ClinVar (database versions not stated): gnomAD exomes 0.00016 and 0.00038; ExAC 0.00055; gnomAD 0.00164 and 0.00176; TOPMed 0.00198; 1000 Genomes Project 0.00200; ESP Exome Variant Server 0.00200; 1000 Genomes Project 30x 0.00297.
gnomAD v4.1: 449 of 1,322,770 alleles (0.034%); highest among the groups gnomAD compares: African/African-American, 0.59%; 1 homozygote.

Submissions (5):

Labcorp Genetics (formerly Invitae), Labcorp
Classification: Benign. Last evaluated: 2026-01-28. Review status: criteria provided, single submitter. Criteria: Invitae Variant Classification Sherloc (09022015). Collection method: clinical testing. Allele origin: germline.

Blueprint Genetics
Classification: Likely benign. Last evaluated: 2024-11-14. Review status: criteria provided, single submitter. Criteria: ACMG Guidelines, 2015. Collection method: clinical testing. Allele origin: germline.

ARUP Laboratories, Molecular Genetics and Genomics, ARUP Laboratories
Classification: Likely benign for Rhizomelic chondrodysplasia punctata type 2. Last evaluated: 2024-03-19. Review status: criteria provided, single submitter. Criteria: ARUP Molecular Germline Variant Investigation Process 2024. Collection method: clinical testing. Allele origin: germline.

Fulgent Genetics
Classification: Likely benign for Rhizomelic chondrodysplasia punctata type 2. Last evaluated: 2022-04-13. Review status: criteria provided, single submitter. Criteria: ACMG Guidelines, 2015. Collection method: clinical testing. Allele origin: unknown.

GeneDx
Classification: Likely benign. Last evaluated: 2018-04-11. Review status: criteria provided, single submitter. Criteria: GeneDx Variant Classification (06012015). Collection method: clinical testing. Allele origin: germline. Affected: yes.
Comment: This variant is considered likely benign or benign based on one or more of the following criteria: it is a conservative change, it occurs at a poorly conserved position in the protein, it is predicted to be benign by multiple in silico algorithms, and/or has population frequency not consistent with disease.

NM_014236.4(GNPAT):c.1056-20C>A

Gene: GNPAT (glyceronephosphate O-acyltransferase; plus strand). Cytogenetic location: 1q42.2.
Variant type: single nucleotide variant.
Coding change: c.1056-20C>A on transcript NM_014236.4 (MANE Select); 20 bases into the intron before coding-DNA position 1056, C replaced by A.
Molecular consequence: intron variant.
Genome position (GRCh38, 1-based): chr1:231,267,660, C>A. VCF-style: chr1-231267660-C-A. GRCh37 (hg19) VCF-style: chr1-231403406-C-A.
Other names: c.873-20C>A (NM_001316350.2).
Identifiers: ClinVar variation 682208 (VCV000682208.12), dbSNP rs114267453, ClinGen allele CA1451961.